The following is an entry in ClinVar:

NC_000007.14:g.107660720C>T

Genes: SLC26A4-AS1 (SLC26A4 antisense RNA 1; minus strand), SLC26A4 (solute carrier family 26 member 4; plus strand). Cytogenetic location: 7q22.3.
Variant type: single nucleotide variant.
Genome position: GRCh38 VCF-style: chr7-107660720-C-T. GRCh37 (hg19) VCF-style: chr7-107301165-C-T.
Identifiers: ClinVar variation 358492 (VCV000358492.13), dbSNP rs879914861, ClinGen allele CA10622920.

ClinVar aggregate classification (germline): Uncertain significance. Review status: criteria provided, multiple submitters, no conflicts (2 of 4 stars). 6 submissions from 4 submitters: Uncertain significance (6). Last evaluated 2021-09-05.

Conditions:
Pendred syndrome (PDS). Also called: GOITER-DEAFNESS SYNDROME; HYPOTHYROIDISM, CONGENITAL, DUE TO DYSHORMONOGENESIS, 2B; Pendred Syndrome (PDS); THYROID DYSHORMONOGENESIS 2B; THYROID HORMONOGENESIS, GENETIC DEFECT IN, 2B; DEAFNESS WITH GOITER. Identifiers: Orphanet 705, MedGen C0271829, MONDO:0010134, OMIM 274600.
Autosomal recessive nonsyndromic hearing loss 4 (DFNB4). Also called: FOXI1-Related Pendred Syndrome; KCNJ10-Related Pendred Syndrome; NEUROSENSORY NONSYNDROMIC RECESSIVE DEAFNESS 4; Nonsyndromic enlarged vestibular aqueduct (NSEVA); Enlarged vestibular aqueduct, digenic; DEAFNESS, AUTOSOMAL RECESSIVE 4, WITH ENLARGED VESTIBULAR AQUEDUCT, DIGENIC. Identifiers: Orphanet 90636, MedGen C3538946, MONDO:0010933, OMIM 600791.

Allele frequency attached by ClinVar (database versions not stated): gnomAD 0.00017 and 0.00018; TOPMed 0.00020.

Submissions (6):

Genome-Nilou Lab
Classification: Uncertain significance for Autosomal recessive nonsyndromic hearing loss 4. Last evaluated: 2021-09-05. Review status: criteria provided, single submitter. Criteria: ACMG Guidelines, 2015. Collection method: clinical testing. Allele origin: germline. Affected: no.

Genome-Nilou Lab
Classification: Uncertain significance for Pendred syndrome. Last evaluated: 2021-09-05. Review status: criteria provided, single submitter. Criteria: ACMG Guidelines, 2015. Collection method: clinical testing. Allele origin: germline. Affected: no.

Laboratory for Molecular Medicine, Mass General Brigham Personalized Medicine
Classification: Uncertain significance. Last evaluated: 2018-10-30. Review status: criteria provided, single submitter. Criteria: LMM Criteria. Collection method: clinical testing. Allele origin: germline. Observed: 2 variant alleles.
Comment: It has also been identified in 0.03% (5/15424 ) of European chromosomes by gnomAD and has b een reported in ClinVar (Variation ID 358492). This variant is located in the 5' UTR. It is unknown whether this variant impacts protein function. In summary, th e clinical significance of this variant is uncertain. ACMG/AMP Criteria applied: PM2_Supporting.

Illumina Laboratory Services, Illumina
Classification: Uncertain significance for Autosomal recessive nonsyndromic hearing loss 4. Last evaluated: 2018-01-13. Review status: criteria provided, single submitter. Criteria: ICSL Variant Classification Criteria 13 December 2019. Collection method: clinical testing. Allele origin: germline.

Illumina Laboratory Services, Illumina
Classification: Uncertain significance for Pendred syndrome. Last evaluated: 2018-01-13. Review status: criteria provided, single submitter. Criteria: ICSL Variant Classification Criteria 13 December 2019. Collection method: clinical testing. Allele origin: germline.

Breakthrough Genomics
Classification: Uncertain significance. Review status: criteria provided, single submitter. Criteria: ACMG Guidelines, 2015. Collection method: not provided. Allele origin: germline. Inheritance: Autosomal recessive inheritance. Affected: yes.